The following is an entry in ClinVar:

NM_000492.4(CFTR):c.618G>C (p.Leu206Phe)

Gene: CFTR (CF transmembrane conductance regulator; plus strand). Cytogenetic location: 7q31.2.
Variant type: single nucleotide variant.
Coding change: c.618G>C on transcript NM_000492.4 (MANE Select); coding-DNA position 618, G replaced by C.
Protein change: p.Leu206Phe; replaces leucine 206 with phenylalanine.
Molecular consequence: missense variant.
Genome position (GRCh38, 1-based): chr7:117,535,286, G>C. VCF-style: chr7-117535286-G-C. GRCh37 (hg19) VCF-style: chr7-117175340-G-C.
Other names: short protein forms L206F.
Identifiers: ClinVar variation 3266629 (VCV003266629.2).

ClinVar aggregate classification (germline): Uncertain significance. Review status: criteria provided, multiple submitters, no conflicts (2 of 4 stars). 2 submissions from 2 submitters: Uncertain significance (2). Last evaluated 2026-02-23.

Conditions:
Cystic fibrosis (CF). Also called: MUCOVISCIDOSIS. Identifiers: Orphanet 586, MedGen C0010674, MONDO:0009061, OMIM 219700. Disease mechanism: loss of function.

gnomAD v4.1: 2 of 1,613,732 alleles (0.00012%); highest among the groups gnomAD compares: Non-Finnish European, 0.00017%; no homozygotes.

Submissions (2):

Women's Health and Genetics/Laboratory Corporation of America, LabCorp
Classification: Uncertain significance. Last evaluated: 2026-02-23. Review status: criteria provided, single submitter. Criteria: LabCorp Variant Classification Summary - May 2015. Collection method: clinical testing. Allele origin: germline.
Comment: Variant summary: CFTR c.618G>C (p.Leu206Phe) results in a non-conservative amino acid change located in the ABC transporter type 1, transmembrane domain (IPR011527) of the encoded protein sequence. Algorithms developed to predict the effect of missense changes on protein structure and function all suggest that this variant is likely to be disruptive. The variant was absent in 251446 control chromosomes. The available data on variant occurrences in the general population are insufficient to allow any conclusion about variant significance. c.618G>C has been observed in an individual affected with Cystic Fibrosis, co-occurring with other pathogenic variants in CFTR without phase information (e.g. Claustres_2000). These report(s) do not provide unequivocal conclusions about association of the variant with Cystic Fibrosis. To our knowledge, no experimental evidence demonstrating an impact on protein function has been reported. The following publication has been ascertained in the context of this evaluation (PMID: 10923036). ClinVar contains an entry for this variant (Variation ID: 3266629). Based on the evidence outlined above, the variant was classified as uncertain significance.

Ambry Genetics
Classification: Uncertain significance for Cystic fibrosis. Last evaluated: 2024-04-18. Review status: criteria provided, single submitter. Criteria: Ambry Variant Classification Scheme 2023. Collection method: clinical testing. Allele origin: germline.
Comment: The p.L206F variant (also known as c.618G>C), located in coding exon 6 of the CFTR gene, results from a G to C substitution at nucleotide position 618. The leucine at codon 206 is replaced by phenylalanine, an amino acid with highly similar properties. This variant was detected in a study of 3710 patients with cystic fibrosis and 800 men with congenital absence of the vas deferens; however, specific clinical details were not provided (Claustres M et al. Hum Mutat, 2000;16:143-56). This amino acid position is highly conserved in available vertebrate species. In addition, this alteration is predicted to be deleterious by in silico analysis. Based on the available evidence, the clinical significance of this variant remains unclear.

Literature cited by the submitters: PubMed 10923036 (cited by Women's Health and Genetics/Laboratory Corporation of America, LabCorp and Ambry Genetics).